The following is an entry in ClinVar:

ClinVar aggregate classification (germline): Uncertain significance (1 of 4 stars; one submission).

Conditions:
Atypical hemolytic-uremic syndrome. Identifiers: Orphanet 2134, MedGen C2931788, MONDO:0016244.

Submission:

Genomenon, Inc
Classification: Uncertain significance for Atypical hemolytic-uremic syndrome. Last evaluated: 2025-10-02. Review status: criteria provided, single submitter. Criteria: Genomenon Sequence Variant Interpretation Standards - Updated. Collection method: curation. Allele origin: germline. Affected: yes.
Comment: CFH p.Tyr1177Cys (c.3530A>G) is a missense variant that changes the amino acid at residue 1177 from Tyrosine to Cysteine. This variant has been observed in at least one proband affected with atypical hemolytic-uremic syndrome (PMID:28858176;22956028). Functional studies have been reported (PMID:34189567). It is absent or not present at a significant frequency in gnomAD. In conclusion, we classify CFH p.Tyr1177Cys (c.3530A>G) as a variant of uncertain significance.

Literature cited by the submitters: PubMed 28858176; PubMed 22956028; PubMed 34189567.

NM_000186.4(CFH):c.3530A>G (p.Tyr1177Cys)

Gene: CFH (complement factor H; plus strand). Cytogenetic location: 1q31.3.
Variant type: single nucleotide variant.
Coding change: c.3530A>G on transcript NM_000186.4 (MANE Select); coding-DNA position 3530, A replaced by G.
Protein change: p.Tyr1177Cys; replaces tyrosine 1177 with cysteine.
Molecular consequence: missense variant.
Genome position (GRCh38, 1-based): chr1:196,747,147, A>G. VCF-style: chr1-196747147-A-G. GRCh37 (hg19) VCF-style: chr1-196716277-A-G.
Other names: short protein forms Y1177C.
Identifiers: ClinVar variation 4291596 (VCV004291596.1).